The following is an entry in ClinVar:

ClinVar aggregate classification (germline): Uncertain significance. Review status: criteria provided, multiple submitters, no conflicts (2 of 4 stars). 3 submissions from 3 submitters: Uncertain significance (3). Last evaluated 2024-12-30.

Conditions:
Joubert syndrome. Also called: JOUBERT-BOLTSHAUSER SYNDROME; Familial aplasia of the vermis. Identifiers: Orphanet 475, MedGen C5979921, MONDO:0018772.
Inborn genetic diseases. Identifiers: MedGen C0950123, MeSH D030342.
INPP5E-related disorder. Also called: INPP5E-related condition.

Allele frequency attached by ClinVar (database versions not stated): TOPMed 0.00002; ExAC 0.00003; gnomAD 0.00003; ESP Exome Variant Server 0.00008; 1000 Genomes Project 30x 0.00016; 1000 Genomes Project 0.00020.
gnomAD v4.1: 16 of 1,590,738 alleles (0.001%); highest among the groups gnomAD compares: Non-Finnish European, 0.0014%; no homozygotes.

Submissions (3):

PreventionGenetics, part of Exact Sciences
Classification: Uncertain significance for INPP5E-related condition. Last evaluated: 2024-12-30. Review status: criteria provided, single submitter. Criteria: ACMG Guidelines, 2015. Collection method: clinical testing. Allele origin: germline.
Comment: The INPP5E c.752G>C variant is predicted to result in the amino acid substitution p.Arg251Pro. To our knowledge, this variant has not been reported in the literature. This variant is reported in 0.0059% of alleles in individuals of European (Non-Finnish) descent in gnomAD. At this time, the clinical significance of this variant is uncertain due to the absence of conclusive functional and genetic evidence.

Ambry Genetics
Classification: Uncertain significance for Inborn genetic diseases. Last evaluated: 2022-10-04. Review status: criteria provided, single submitter. Criteria: Ambry Variant Classification Scheme 2023. Collection method: clinical testing. Allele origin: germline.

Labcorp Genetics (formerly Invitae), Labcorp
Classification: Uncertain significance for Joubert syndrome. Last evaluated: 2021-09-01. Review status: criteria provided, single submitter. Criteria: Invitae Variant Classification Sherloc (09022015). Collection method: clinical testing. Allele origin: germline.
Comment: This sequence change replaces arginine with proline at codon 251 of the INPP5E protein (p.Arg251Pro). The arginine residue is weakly conserved and there is a moderate physicochemical difference between arginine and proline. This variant is present in population databases (rs201792737, ExAC 0.006%). This variant has not been reported in the literature in individuals affected with INPP5E-related conditions. Advanced modeling of protein sequence and biophysical properties (such as structural, functional, and spatial information, amino acid conservation, physicochemical variation, residue mobility, and thermodynamic stability) performed at Invitae indicates that this missense variant is not expected to disrupt INPP5E protein function. In summary, the available evidence is currently insufficient to determine the role of this variant in disease. Therefore, it has been classified as a Variant of Uncertain Significance.

NM_019892.6(INPP5E):c.752G>C (p.Arg251Pro)

Gene: INPP5E (inositol polyphosphate-5-phosphatase E; minus strand). Cytogenetic location: 9q34.3.
Variant type: single nucleotide variant.
Coding change: c.752G>C on transcript NM_019892.6 (MANE Select); coding-DNA position 752, G replaced by C.
Protein change: p.Arg251Pro; replaces arginine 251 with proline.
Molecular consequence: missense variant.
Genome position (GRCh38, 1-based): chr9:136,438,668, C>G on the plus strand (G>C on the coding strand, the complement: INPP5E is on the minus strand). VCF-style: chr9-136438668-C-G. GRCh37 (hg19) VCF-style: chr9-139333120-C-G.
Other names: c.752G>C (NM_019892.4, NM_019892.5); c.752G>C, p.Arg251Pro (NM_001318502.2); short protein forms R251P.
Identifiers: ClinVar variation 1063772 (VCV001063772.9), dbSNP rs201792737, ClinGen allele CA5337087.